The following is an entry in ClinVar:

ClinVar aggregate classification (germline): Uncertain significance (1 of 4 stars; one submission).

Submission:

Labcorp Genetics (formerly Invitae), Labcorp
Classification: Uncertain significance. Last evaluated: 2022-08-12. Review status: criteria provided, single submitter. Criteria: Invitae Variant Classification Sherloc (09022015). Collection method: clinical testing. Allele origin: germline.
Comment: In summary, the available evidence is currently insufficient to determine the role of this variant in disease. Therefore, it has been classified as a Variant of Uncertain Significance. Algorithms developed to predict the effect of missense changes on protein structure and function (SIFT, PolyPhen-2, Align-GVGD) all suggest that this variant is likely to be tolerated. This variant has not been reported in the literature in individuals affected with SLC7A14-related conditions. This variant is not present in population databases (gnomAD no frequency). This sequence change replaces methionine, which is neutral and non-polar, with isoleucine, which is neutral and non-polar, at codon 647 of the SLC7A14 protein (p.Met647Ile).

NM_020949.3(SLC7A14):c.1941G>C (p.Met647Ile)

Genes: SLC7A14 (solute carrier family 7 member 14; minus strand), SLC7A14-AS1 (SLC7A14 antisense RNA 1; plus strand). Cytogenetic location: 3q26.2.
Variant type: single nucleotide variant.
Coding change: c.1941G>C on transcript NM_020949.3 (MANE Select); coding-DNA position 1941, G replaced by C.
Protein change: p.Met647Ile; replaces methionine 647 with isoleucine.
Molecular consequence: missense variant.
Genome position (GRCh38, 1-based): chr3:170,480,341, C>G on the plus strand (G>C on the coding strand, the complement: SLC7A14 is on the minus strand). VCF-style: chr3-170480341-C-G. GRCh37 (hg19) VCF-style: chr3-170198130-C-G.
Other names: short protein forms M647I.
Identifiers: ClinVar variation 1716257 (VCV001716257.5), dbSNP rs2473366756, ClinGen allele CA355488449.